The following is an entry in ClinVar:

NM_001329943.3(KIAA0586):c.2810A>G (p.Asn937Ser)

Gene: KIAA0586 (KIAA0586; plus strand). Cytogenetic location: 14q23.1.
Variant type: single nucleotide variant.
Coding change: c.2810A>G on transcript NM_001329943.3 (MANE Select); coding-DNA position 2810, A replaced by G.
Protein change: p.Asn937Ser; replaces asparagine 937 with serine.
Molecular consequence: missense variant.
Genome position (GRCh38, 1-based): chr14:58,474,782, A>G. VCF-style: chr14-58474782-A-G. GRCh37 (hg19) VCF-style: chr14-58941500-A-G.
Other names: c.2969A>G, p.Asn990Ser (NM_001244189.2); c.2765A>G, p.Asn922Ser (NM_001244190.2); c.2555A>G, p.Asn852Ser (NM_001244191.2, NM_001329945.2, NM_001364700.1 and 1 more transcripts); c.2678A>G, p.Asn893Ser (NM_001244192.2); c.2390A>G, p.Asn797Ser (NM_001244193.2); c.2810A>G, p.Asn937Ser (NM_001329944.2, NM_001329946.2, NM_001329947.2); c.2582A>G, p.Asn861Ser (NM_014749.5); short protein forms N797S, N852S, N893S, N922S, N937S, N861S, N990S.
Identifiers: ClinVar variation 1520976 (VCV001520976.5), dbSNP rs1287641719, ClinGen allele CA389878155.
Genomic context (GRCh38, chr14:58,474,782, plus strand): 5'-CTTTTCAGCCCACTGCTGATATTCTGGATAAAGTAATTGAGAGAAAAGAAACACTGGAAA[A>G]TAGCTTAATTCAATGGTAAGTTTATAATGTTTTTGGTATGAATAGAACCATAGTAGAAAA-3'
Protein context (NP_001316872.1, residues 927-947): KVIERKETLE[Asn937Ser]SLIQWVEQEI

ClinVar aggregate classification (germline): Uncertain significance (1 of 4 stars; one submission).

Conditions:
Joubert syndrome 23 (JBTS23). Identifiers: Orphanet 475, MedGen C4084822, MONDO:0014664, OMIM 616490.
Short-rib thoracic dysplasia 14 with polydactyly (SRTD14). Identifiers: Orphanet 397715, MedGen C4225286, MONDO:0014688, OMIM 616546.

Allele frequency attached by ClinVar (database versions not stated): gnomAD exomes below 0.00001 and 0.00001; TOPMed below 0.00001; gnomAD 0.00002.
gnomAD v4.1: 17 of 1,602,268 alleles (0.0011%); highest among the groups gnomAD compares: Non-Finnish European, 0.0014%; no homozygotes.

Submission:

Labcorp Genetics (formerly Invitae), Labcorp
Classification: Uncertain significance for Joubert syndrome 23; Short-rib thoracic dysplasia 14 with polydactyly. Last evaluated: 2022-11-01. Review status: criteria provided, single submitter. Criteria: Invitae Variant Classification Sherloc (09022015). Collection method: clinical testing. Allele origin: germline.
Comment: This sequence change replaces asparagine, which is neutral and polar, with serine, which is neutral and polar, at codon 990 of the KIAA0586 protein (p.Asn990Ser). The frequency data for this variant in the population databases is considered unreliable, as metrics indicate poor data quality at this position in the gnomAD database. This variant has not been reported in the literature in individuals affected with KIAA0586-related conditions. ClinVar contains an entry for this variant (Variation ID: 1520976). Advanced modeling of protein sequence and biophysical properties (such as structural, functional, and spatial information, amino acid conservation, physicochemical variation, residue mobility, and thermodynamic stability) performed at Invitae indicates that this missense variant is expected to disrupt KIAA0586 protein function. In summary, the available evidence is currently insufficient to determine the role of this variant in disease. Therefore, it has been classified as a Variant of Uncertain Significance.